The following is an entry in ClinVar:

NM_000414.4(HSD17B4):c.869-1G>T

Gene: HSD17B4 (hydroxysteroid 17-beta dehydrogenase 4; plus strand). Cytogenetic location: 5q23.1.
Variant type: single nucleotide variant.
Coding change: c.869-1G>T on transcript NM_000414.4 (MANE Select); the canonical splice acceptor site of the intron before coding-DNA position 869, G replaced by T.
Molecular consequence: splice acceptor variant.
Genome position (GRCh38, 1-based): chr5:119,496,542, G>T. VCF-style: chr5-119496542-G-T. GRCh37 (hg19) VCF-style: chr5-118832237-G-T.
Other names: c.815-1G>T (NM_001199292.2); c.458-1G>T (NM_001374503.1, NM_001374502.1, NM_001374501.1); c.944-1G>T (NM_001199291.3); c.542-1G>T (NM_001374499.1); c.428-1G>T (NM_001374500.1); c.449-1G>T (NM_001292028.2); c.797-1G>T (NM_001292027.2); c.869-1G>T (NM_001374498.1); and 1 more.
Identifiers: ClinVar variation 4818360 (VCV004818360.1).

ClinVar aggregate classification (germline): Likely pathogenic (1 of 4 stars; one submission).

Conditions:
Bifunctional peroxisomal enzyme deficiency (DBIF). Also called: DBP DEFICIENCY; PBFE DEFICIENCY; D-bifunctional protein deficiency. Identifiers: Orphanet 300, MedGen C0342870, MONDO:0009855, OMIM 261515. Disease mechanism: loss of function.

Submission:

Natera, Inc.
Classification: Likely pathogenic for Bifunctional peroxisomal enzyme deficiency. Last evaluated: 2025-12-02. Review status: criteria provided, single submitter. Criteria: Natera Variant Classification Schema (03/2026). Collection method: clinical testing. Allele origin: germline.
Comment: The c.869-1G>T variant in HSD17B4 is a canonical splice acceptor site variant predicted to affect pre-mRNA splicing, which may result in an abnormal transcript and altered protein product. This variant is expected to result in nonsense mediated decay, truncation, or a dysfunctional protein product. This variant is rare in the general population with a frequency below the threshold expected for the associated phenotype(s). Given the available evidence, this variant is classified as Likely Pathogenic.